The following is an entry in ClinVar:

NM_006204.4(PDE6C):c.252G>T (p.Leu84=)

Gene: PDE6C (phosphodiesterase 6C; plus strand). Cytogenetic location: 10q23.33.
Variant type: single nucleotide variant.
Coding change: c.252G>T on transcript NM_006204.4 (MANE Select); coding-DNA position 252, G replaced by T.
Protein change: p.Leu84=; no amino-acid change (leucine 84 retained).
Molecular consequence: synonymous variant.
Genome position (GRCh38, 1-based): chr10:93,612,977, G>T. VCF-style: chr10-93612977-G-T. GRCh37 (hg19) VCF-style: chr10-95372734-G-T.
Identifiers: ClinVar variation 301617 (VCV000301617.22), dbSNP rs1131978, ClinGen allele CA5609790.

ClinVar aggregate classification (germline): Conflicting classifications of pathogenicity. Review status: criteria provided, conflicting classifications (1 of 4 stars). 7 submissions from 6 submitters: Uncertain significance (2); Benign (1); Likely benign (3). 1 of the submissions does not count toward it. Last evaluated 2026-03-01.

Conditions:
Cone dystrophy 4 (COD4). Identifiers: Orphanet 49382, MedGen C2751308, MONDO:0013129, OMIM 613093.
Achromatopsia. Also called: Rod monochromatism. Identifiers: Orphanet 49382, MedGen C0152200, MONDO:0018852, HP:0011516.

Allele frequency attached by ClinVar (database versions not stated): 1000 Genomes Project 0.00060; 1000 Genomes Project 30x 0.00094.
gnomAD v4.1: 2,944 of 1,613,824 alleles (0.18%); highest among the groups gnomAD compares: Non-Finnish European, 0.22%; 6 homozygotes.

Submissions (7):

CeGaT Center for Human Genetics Tuebingen
Classification: Likely benign. Last evaluated: 2026-03-01. Review status: criteria provided, single submitter. Criteria: CeGaT Center For Human Genetics Tuebingen Variant Classification Criteria Version 2. Collection method: clinical testing. Allele origin: germline. Affected: yes. Observed: 1 variant allele.
Comment: PDE6C: BP4, BP7

Labcorp Genetics (formerly Invitae), Labcorp
Classification: Benign. Last evaluated: 2026-01-27. Review status: criteria provided, single submitter. Criteria: Invitae Variant Classification Sherloc (09022015). Collection method: clinical testing. Allele origin: germline.

Blueprint Genetics
Classification: Likely benign. Last evaluated: 2024-11-27. Review status: criteria provided, single submitter. Criteria: ACMG Guidelines, 2015. Collection method: clinical testing. Allele origin: germline.

Illumina Laboratory Services, Illumina
Classification: Uncertain significance for Achromatopsia. Last evaluated: 2018-01-13. Review status: criteria provided, single submitter. Criteria: ICSL Variant Classification Criteria 13 December 2019. Collection method: clinical testing. Allele origin: germline.

Illumina Laboratory Services, Illumina
Classification: Uncertain significance for Cone dystrophy 4. Last evaluated: 2018-01-13. Review status: criteria provided, single submitter. Criteria: ICSL Variant Classification Criteria 13 December 2019. Collection method: clinical testing. Allele origin: germline.

Clinical Genetics DNA and cytogenetics Diagnostics Lab, Erasmus MC, Erasmus Medical Center
Classification: Likely benign for Cone dystrophy 4. Last evaluated: 2017-06-28. Review status: criteria provided, single submitter. Criteria: ACGS Guidelines, 2013. Collection method: clinical testing. Allele origin: germline. Affected: yes. Study: VKGL Data-share Consensus.

Clinical Genetics, Academic Medical Center
Classification: Benign. Review status: no assertion criteria provided. Collection method: clinical testing. Allele origin: germline. Affected: yes. Study: VKGL Data-share Consensus. Not counted in ClinVar's aggregate classification.